The following is an entry in ClinVar:

ClinVar aggregate classification (germline): Uncertain significance (1 of 4 stars; one submission).

Conditions:
Cystic fibrosis (CF). Also called: MUCOVISCIDOSIS. Identifiers: Orphanet 586, MedGen C0010674, MONDO:0009061, OMIM 219700. Disease mechanism: loss of function.

Allele frequency attached by ClinVar (database versions not stated): gnomAD exomes below 0.00001.
gnomAD v4.1: 2 of 1,542,916 alleles (0.00013%); highest among the groups gnomAD compares: Non-Finnish European, 0.00017%; no homozygotes.

Submission:

Ambry Genetics
Classification: Uncertain significance for Cystic fibrosis. Last evaluated: 2025-12-20. Review status: criteria provided, single submitter. Criteria: Ambry Variant Classification Scheme 2023. Collection method: clinical testing. Allele origin: germline.
Comment: The p.I824V variant (also known as c.2470A>G), located in coding exon 14 of the CFTR gene, results from an A to G substitution at nucleotide position 2470. The isoleucine at codon 824 is replaced by valine, an amino acid with highly similar properties. This amino acid position is well conserved in available vertebrate species. In addition, this alteration is predicted to be tolerated by in silico analysis. Since supporting evidence is limited at this time, the clinical significance of this alteration remains unclear.

NM_000492.4(CFTR):c.2470A>G (p.Ile824Val)

Gene: CFTR (CF transmembrane conductance regulator; plus strand). Cytogenetic location: 7q31.2.
Variant type: single nucleotide variant.
Coding change: c.2470A>G on transcript NM_000492.4 (MANE Select); coding-DNA position 2470, A replaced by G.
Protein change: p.Ile824Val; replaces isoleucine 824 with valine.
Molecular consequence: missense variant.
Genome position (GRCh38, 1-based): chr7:117,592,637, A>G. VCF-style: chr7-117592637-A-G. GRCh37 (hg19) VCF-style: chr7-117232691-A-G.
Other names: short protein forms I824V.
Identifiers: ClinVar variation 2453649 (VCV002453649.3), dbSNP rs2485110916, ClinGen allele CA368981543.